The following is an entry in ClinVar:

ClinVar aggregate classification (germline): Conflicting classifications of pathogenicity. Review status: criteria provided, conflicting classifications (1 of 4 stars). 5 submissions from 5 submitters: Uncertain significance (4); Likely benign (1). Last evaluated 2026-08-07.

Conditions:
TTN-related disorder. Also called: TTN-related disorders; TTN-related condition; TTN-related disease.

Allele frequency attached by ClinVar (database versions not stated): TOPMed 0.00002; gnomAD 0.00005; ExAC 0.00012.
gnomAD v4.1: 80 of 1,613,408 alleles (0.005%); highest among the groups gnomAD compares: Non-Finnish European, 0.0064%; no homozygotes.

Submissions (5):

PreventionGenetics, part of Exact Sciences
Classification: Uncertain significance for TTN-related condition. Last evaluated: 2026-08-07. Review status: criteria provided, single submitter. Criteria: ACMG Guidelines, 2015. Collection method: clinical testing. Allele origin: germline.
Comment: The TTN c.27824A>G variant is predicted to result in the amino acid substitution p.Tyr9275Cys. This variant, also referred to as c.24092A>G (p.Tyr8031Cys) in the alternate transcript NM_133378, has been reported in an individual with arrhythmic right ventricular dilation (Taylor et al. 2011. PubMed ID: 21810661) and in an individual who died from sudden unexpected death (Larsen et al. 2020. PubMed ID: 31729605). This variant is reported in 0.014% of alleles in individuals of European (non-Finnish) descent in gnomAD and is classified as uncertain in ClinVar (Variation ID: 2438092). At this time, the clinical significance of this variant is uncertain due to the absence of conclusive functional and genetic evidence.

CeGaT Center for Human Genetics Tuebingen
Classification: Uncertain significance. Last evaluated: 2026-08-01. Review status: criteria provided, single submitter. Criteria: CeGaT Center For Human Genetics Tuebingen Variant Classification Criteria Version 2. Collection method: clinical testing. Allele origin: germline. Affected: yes. Observed: 1 variant allele.
Comment: TTN: PM2, PP3

Clinical Genetics Laboratory, Skane University Hospital Lund
Classification: Uncertain significance. Last evaluated: 2023-10-24. Review status: criteria provided, single submitter. Criteria: ACMG Guidelines, 2015. Collection method: clinical testing. Allele origin: germline. Affected: yes.

Revvity Omics, Revvity
Classification: Uncertain significance. Last evaluated: 2020-05-20. Review status: criteria provided, single submitter. Criteria: ACMG Guidelines, 2015. Collection method: clinical testing. Allele origin: germline.

Blueprint Genetics
Classification: Likely benign. Last evaluated: 2020-04-15. Review status: criteria provided, single submitter. Criteria: ACMG Guidelines, 2015. Collection method: clinical testing. Allele origin: germline.

NM_001267550.2(TTN):c.27824A>G (p.Tyr9275Cys)

Gene: TTN (titin; minus strand). Cytogenetic location: 2q31.2.
Variant type: single nucleotide variant.
Coding change: c.27824A>G on transcript NM_001267550.2 (MANE Select); coding-DNA position 27824, A replaced by G.
Protein change: p.Tyr9275Cys; replaces tyrosine 9275 with cysteine.
Molecular consequence: missense variant. On other transcripts: intron variant (3).
Genome position (GRCh38, 1-based): chr2:178,712,006, T>C on the plus strand (A>G on the coding strand, the complement: TTN is on the minus strand). VCF-style: chr2-178712006-T-C. GRCh37 (hg19) VCF-style: chr2-179576733-T-C.
Other names: c.26873A>G, p.Tyr8958Cys (NM_001256850.1); c.24092A>G, p.Tyr8031Cys (NM_133378.4); c.13282+26076A>G (NM_003319.4); c.13858+26076A>G (NM_133437.4); c.13657+26076A>G (NM_133432.3); short protein forms Y8031C, Y8958C, Y9275C.
Identifiers: ClinVar variation 2438092 (VCV002438092.7), dbSNP rs72648996, ClinGen allele CA1999720.
Genomic context (GRCh38, chr2:178,712,006, plus strand): 5'-TGAACGGTAAGGAAAGTTGATGCAGAAACTTCTCCCACGCTGTTTTCAGCTTTGCAGATA[T>C]ATTCTCCACTATCATTAATATCAACCTGGTTGAAAACCAGTGTAGCAACATTATTCCTAA-3'
Protein context (NP_001254479.2, residues 9265-9285): NQVDINDSGE[Tyr9275Cys]ICKAENSVGE